The following is an entry in ClinVar:

NM_015665.6(AAAS):c.1088-2A>G

Gene: AAAS (aladin WD repeat nucleoporin; minus strand). Cytogenetic location: 12q13.13.
Variant type: single nucleotide variant.
Coding change: c.1088-2A>G on transcript NM_015665.6 (MANE Select); the canonical splice acceptor site of the intron before coding-DNA position 1088, A replaced by G.
Molecular consequence: splice acceptor variant.
Genome position (GRCh38, 1-based): chr12:53,308,530, T>C on the plus strand (A>G on the coding strand, the complement: AAAS is on the minus strand). VCF-style: chr12-53308530-T-C. GRCh37 (hg19) VCF-style: chr12-53702314-T-C.
Other names: c.989-2A>G (NM_001173466.2).
Identifiers: ClinVar variation 2850672 (VCV002850672.3), dbSNP rs771163929, ClinGen allele CA6598974.
Genomic context (GRCh38, chr12:53,308,530, plus strand): 5'-AGACAGATCTGCCACAATCGTTGCTGACTTTGCACCTCCAACGCACCCCTTTCCCTCACC[T>C]GTGGACAAATAAGAGCAGAGAGGTTCTTGCAAGAAACAGGCCTCTCACTGGTCCCCTGCC-3'

ClinVar aggregate classification (germline): Likely pathogenic (1 of 4 stars; one submission).

Allele frequency attached by ClinVar (database versions not stated): gnomAD exomes below 0.00001; ExAC 0.00001.
gnomAD v4.1: 2 of 1,614,158 alleles (0.00012%); highest among the groups gnomAD compares: Non-Finnish European, 0.00017%; no homozygotes.

Submission:

Labcorp Genetics (formerly Invitae), Labcorp
Classification: Likely pathogenic. Last evaluated: 2023-04-13. Review status: criteria provided, single submitter. Criteria: Invitae Variant Classification Sherloc (09022015). Collection method: clinical testing. Allele origin: germline.
Comment: This sequence change affects an acceptor splice site in intron 11 of the AAAS gene. It is expected to disrupt RNA splicing. Variants that disrupt the donor or acceptor splice site typically lead to a loss of protein function (PMID: 16199547), and loss-of-function variants in AAAS are known to be pathogenic (PMID: 11159947). This variant is present in population databases (rs771163929, gnomAD 0.0009%). This variant has not been reported in the literature in individuals affected with AAAS-related conditions. Algorithms developed to predict the effect of sequence changes on RNA splicing suggest that this variant may disrupt the consensus splice site. In summary, the currently available evidence indicates that the variant is pathogenic, but additional data are needed to prove that conclusively. Therefore, this variant has been classified as Likely Pathogenic.

Literature cited by the submitters: PubMed 16199547; PubMed 11159947.